The following is an entry in ClinVar:

ClinVar aggregate classification (germline): Likely benign. Review status: criteria provided, multiple submitters, no conflicts (2 of 4 stars). 2 submissions from 2 submitters: Likely benign (2). Last evaluated 2025-12-24.

Conditions:
Long QT syndrome (LQTS). Identifiers: MedGen C0023976, MeSH D008133, MONDO:0002442. Disease mechanism: loss of function. Inheritance: Various modes of inheritance.

Allele frequency attached by ClinVar (database versions not stated): gnomAD exomes below 0.00001.
gnomAD v4.1: 2 of 1,613,464 alleles (0.00012%); highest among the groups gnomAD compares: Non-Finnish European, 0.00017%; no homozygotes.

Submissions (2):

Labcorp Genetics (formerly Invitae), Labcorp
Classification: Likely benign for Long QT syndrome. Last evaluated: 2025-12-24. Review status: criteria provided, single submitter. Criteria: Invitae Variant Classification Sherloc (09022015). Collection method: clinical testing. Allele origin: germline.

GeneDx
Classification: Likely benign. Last evaluated: 2016-08-03. Review status: criteria provided, single submitter. Criteria: GeneDx Variant Classification (06012015). Collection method: clinical testing. Allele origin: germline. Affected: yes.
Comment: This variant is considered likely benign or benign based on one or more of the following criteria: it is a conservative change, it occurs at a poorly conserved position in the protein, it is predicted to be benign by multiple in silico algorithms, and/or has population frequency not consistent with disease.

NM_000238.4(KCNH2):c.1945+20G>A

Gene: KCNH2 (potassium voltage-gated channel subfamily H member 2; minus strand). Cytogenetic location: 7q36.1.
Variant type: single nucleotide variant.
Coding change: c.1945+20G>A on transcript NM_000238.4 (MANE Select); 20 bases into the intron after coding-DNA position 1945, G replaced by A.
Molecular consequence: intron variant.
Genome position (GRCh38, 1-based): chr7:150,951,428, C>T on the plus strand (G>A on the coding strand, the complement: KCNH2 is on the minus strand). VCF-style: chr7-150951428-C-T. GRCh37 (hg19) VCF-style: chr7-150648516-C-T.
Other names: c.1657+20G>A (NM_001406753.1, NM_001406756.1); c.925+20G>A (NM_172057.3, NM_001204798.2); c.1945+20G>A (NM_172056.3); c.1768+20G>A (NM_001406755.1); c.1645+20G>A (NM_001406757.1).
Identifiers: ClinVar variation 388396 (VCV000388396.10), dbSNP rs1057523089, ClinGen allele CA16605163.